The following is an entry in ClinVar:

ClinVar aggregate classification (germline): Uncertain significance. Review status: criteria provided, multiple submitters, no conflicts (2 of 4 stars). 3 submissions from 3 submitters: Uncertain significance (2). 1 of the submissions does not count toward it. Last evaluated 2025-04-13.

Conditions:
Inborn genetic diseases. Identifiers: MedGen C0950123, MeSH D030342.
Chronic granulomatous disease. Identifiers: Orphanet 379, MedGen C0018203, MONDO:0018305.
Granulomatous disease, chronic, autosomal recessive, cytochrome b-negative. Also called: Chronic granulomatous disease, autosomal, due to deficiency of CYBA; GRANULOMATOUS DISEASE, CHRONIC, AUTOSOMAL RECESSIVE, 4; CGD DUE TO DEFICIENCY OF THE ALPHA SUBUNIT OF CYTOCHROME b; CGD, AUTOSOMAL RECESSIVE CYTOCHROME b-NEGATIVE; CYBA DEFICIENCY. Identifiers: Orphanet 379, MedGen C1856255, MONDO:0009308, OMIM 233690.

Allele frequency attached by ClinVar (database versions not stated): gnomAD 0.00001 and 0.00002; ExAC 0.00002; gnomAD exomes 0.00002; TOPMed 0.00002; 1000 Genomes Project 30x 0.00016; 1000 Genomes Project 0.00020.
gnomAD v4.1: 35 of 1,613,042 alleles (0.0022%); highest among the groups gnomAD compares: Non-Finnish European, 0.0023%; no homozygotes.

Submissions (3):

Ambry Genetics
Classification: Uncertain significance for Inborn genetic diseases. Last evaluated: 2025-04-13. Review status: criteria provided, single submitter. Criteria: Ambry Variant Classification Scheme 2023. Collection method: clinical testing. Allele origin: germline.

Labcorp Genetics (formerly Invitae), Labcorp
Classification: Uncertain significance for Granulomatous disease, chronic, autosomal recessive, cytochrome b-negative. Last evaluated: 2024-11-04. Review status: criteria provided, single submitter. Criteria: Invitae Variant Classification Sherloc (09022015). Collection method: clinical testing. Allele origin: germline.
Comment: This sequence change replaces arginine, which is basic and polar, with cysteine, which is neutral and slightly polar, at codon 32 of the CYBA protein (p.Arg32Cys). This variant is present in population databases (rs568138482, gnomAD 0.008%). This variant has not been reported in the literature in individuals affected with CYBA-related conditions. ClinVar contains an entry for this variant (Variation ID: 848548). An algorithm developed to predict the effect of missense changes on protein structure and function (PolyPhen-2) suggests that this variant is likely to be disruptive. In summary, the available evidence is currently insufficient to determine the role of this variant in disease. Therefore, it has been classified as a Variant of Uncertain Significance.

Natera, Inc.
Classification: Uncertain significance for Chronic granulomatous disease. Last evaluated: 2020-09-16. Review status: no assertion criteria provided. Collection method: clinical testing. Allele origin: germline. Not counted in ClinVar's aggregate classification.

NM_000101.4(CYBA):c.94C>T (p.Arg32Cys)

Gene: CYBA (cytochrome b-245 alpha chain; minus strand). Cytogenetic location: 16q24.2.
Variant type: single nucleotide variant.
Coding change: c.94C>T on transcript NM_000101.4 (MANE Select); coding-DNA position 94, C replaced by T.
Protein change: p.Arg32Cys; replaces arginine 32 with cysteine.
Molecular consequence: missense variant.
Genome position (GRCh38, 1-based): chr16:88,648,079, G>A on the plus strand (C>T on the coding strand, the complement: CYBA is on the minus strand). VCF-style: chr16-88648079-G-A. GRCh37 (hg19) VCF-style: chr16-88714487-G-A.
Other names: c.94C>T (NM_000101.2); short protein forms R32C.
Identifiers: ClinVar variation 848548 (VCV000848548.6), dbSNP rs568138482, ClinGen allele CA8228448.